The following is an entry in ClinVar:

NM_001369.3(DNAH5):c.6001G>A (p.Val2001Ile)

Gene: DNAH5 (dynein axonemal heavy chain 5; minus strand). Cytogenetic location: 5p15.2.
Variant type: single nucleotide variant.
Coding change: c.6001G>A on transcript NM_001369.3 (MANE Select); coding-DNA position 6001, G replaced by A.
Protein change: p.Val2001Ile; replaces valine 2001 with isoleucine.
Molecular consequence: missense variant.
Genome position (GRCh38, 1-based): chr5:13,830,657, C>T on the plus strand (G>A on the coding strand, the complement: DNAH5 is on the minus strand). VCF-style: chr5-13830657-C-T. GRCh37 (hg19) VCF-style: chr5-13830766-C-T.
Other names: short protein forms V2001I.
Identifiers: ClinVar variation 1751029 (VCV001751029.8), dbSNP rs769656114, ClinGen allele CA3203512.

ClinVar aggregate classification (germline): Conflicting classifications of pathogenicity. Review status: criteria provided, conflicting classifications (1 of 4 stars). 3 submissions from 3 submitters: Uncertain significance (2); Likely benign (1). Last evaluated 2024-12-19.

Conditions:
Primary ciliary dyskinesia. Also called: Ciliary dyskinesia. Identifiers: Orphanet 244, MedGen C0008780, MONDO:0016575, HP:0012265.
Primary ciliary dyskinesia 3. Identifiers: Orphanet 244, MedGen C1837618, MONDO:0012085, OMIM 608644.

Allele frequency attached by ClinVar (database versions not stated): TOPMed 0.00001; ExAC 0.00002; gnomAD 0.00002.
gnomAD v4.1: 9 of 1,614,056 alleles (0.00056%); highest among the groups gnomAD compares: African/African-American, 0.0027%; no homozygotes.

Submissions (3):

Genomic Medicine Center of Excellence, King Faisal Specialist Hospital and Research Centre
Classification: Uncertain significance for Primary ciliary dyskinesia 3. Last evaluated: 2024-12-19. Review status: criteria provided, single submitter. Criteria: ACMG Guidelines, 2015. Collection method: clinical testing. Allele origin: germline.

Labcorp Genetics (formerly Invitae), Labcorp
Classification: Likely benign for Primary ciliary dyskinesia. Last evaluated: 2024-04-27. Review status: criteria provided, single submitter. Criteria: Invitae Variant Classification Sherloc (09022015). Collection method: clinical testing. Allele origin: germline.

Ambry Genetics
Classification: Uncertain significance for Primary ciliary dyskinesia. Last evaluated: 2022-03-03. Review status: criteria provided, single submitter. Criteria: Ambry Variant Classification Scheme 2023. Collection method: clinical testing. Allele origin: germline.
Comment: The p.V2001I variant (also known as c.6001G>A), located in coding exon 36 of the DNAH5 gene, results from a G to A substitution at nucleotide position 6001. The valine at codon 2001 is replaced by isoleucine, an amino acid with highly similar properties. This amino acid position is conserved. In addition, this alteration is predicted to be tolerated by in silico analysis. Since supporting evidence is limited at this time, the clinical significance of this alteration remains unclear.